The following is an entry in ClinVar:

NM_000059.4(BRCA2):c.633C>T (p.Val211=)

Gene: BRCA2 (BRCA2 DNA repair associated; plus strand). Cytogenetic location: 13q13.1.
Variant type: single nucleotide variant.
Coding change: c.633C>T on transcript NM_000059.4 (MANE Select); coding-DNA position 633, C replaced by T.
Protein change: p.Val211=; no amino-acid change (valine 211 retained).
Molecular consequence: synonymous variant.
Genome position (GRCh38, 1-based): chr13:32,329,444, C>T. VCF-style: chr13-32329444-C-T. GRCh37 (hg19) VCF-style: chr13-32903581-C-T.
Identifiers: ClinVar variation 220004 (VCV000220004.23), dbSNP rs768731187, ClinGen allele CA348339.

ClinVar aggregate classification (germline): Likely benign. Review status: reviewed by expert panel (3 of 4 stars). 7 submissions from 7 submitters: Likely benign (1). 6 of the submissions do not count toward it. Last evaluated 2017-06-29.

Conditions:
Hereditary cancer-predisposing syndrome. Also called: Tumor predisposition; Hereditary neoplastic syndrome; Neoplastic Syndromes, Hereditary; Hereditary Cancer Syndrome. Identifiers: Orphanet 140162, MedGen C0027672, MeSH D009386, MONDO:0015356.
Hereditary breast ovarian cancer syndrome. Also called: Hereditary breast and ovarian cancer; BRCA1- and BRCA2-Associated Hereditary Breast and Ovarian Cancer; Hereditary breast and/or ovarian cancer syndrome; Hereditary breast and ovarian cancer syndrome; Hereditary breast and ovarian cancer syndrome (HBOC); Breast and ovarian cancer. Identifiers: Orphanet 145, MedGen C0677776, MeSH D061325, MONDO:0003582. Disease mechanism: loss of function.
Breast-ovarian cancer, familial, susceptibility to, 2 (BROVCA2). Also called: BRCA2 Hereditary Breast and Ovarian Cancer. Identifiers: Orphanet 145, MedGen C2675520, MONDO:0012933, OMIM 612555. Disease mechanism: loss of function.

Allele frequency attached by ClinVar (database versions not stated): gnomAD exomes 0.00001; ExAC 0.00002; gnomAD 0.00002.
gnomAD v4.1: 17 of 1,593,990 alleles (0.0011%); highest among the groups gnomAD compares: African/African-American, 0.0027%; no homozygotes.

Submissions (7):

Evidence-based Network for the Interpretation of Germline Mutant Alleles (ENIGMA)
Classification: Likely benign for Breast-ovarian cancer, familial, susceptibility to, 2. Last evaluated: 2017-06-29. Review status: reviewed by expert panel. Criteria: ENIGMA BRCA1/2 Classification Criteria (2017-06-29). Collection method: curation. Allele origin: germline.
Comment: Synonymous substitution variant, with low bioinformatic likelihood to result in a splicing aberration (Splicing prior probability 0.04).

Labcorp Genetics (formerly Invitae), Labcorp
Classification: Likely benign for Hereditary breast ovarian cancer syndrome. Last evaluated: 2025-12-16. Review status: criteria provided, single submitter. Criteria: Invitae Variant Classification Sherloc (09022015). Collection method: clinical testing. Allele origin: germline. Not counted in ClinVar's aggregate classification.

All of Us Research Program, National Institutes of Health
Classification: Likely benign for Breast-ovarian cancer, familial, susceptibility to, 2. Last evaluated: 2023-11-30. Review status: criteria provided, single submitter. Criteria: ACMG Guidelines, 2015. Collection method: clinical testing. Allele origin: germline. Inheritance: Autosomal dominant inheritance. Observed: 2 variant alleles, 2 heterozygotes. Not counted in ClinVar's aggregate classification.
Comment: This study involves interpretation of variants in research participants for the purpose of population health screening. Participant phenotype was not available at the time of variant classification. Additional details can be found in publication PMID: 35346344, PMCID: PMC8962531

Color Diagnostics, LLC DBA Color Health
Classification: Likely benign for Hereditary cancer-predisposing syndrome. Last evaluated: 2021-02-02. Review status: criteria provided, single submitter. Criteria: ACMG Guidelines, 2015. Collection method: clinical testing. Allele origin: germline. Not counted in ClinVar's aggregate classification.

GeneDx
Classification: Likely benign. Last evaluated: 2018-04-12. Review status: criteria provided, single submitter. Criteria: GeneDx Variant Classification (06012015). Collection method: clinical testing. Allele origin: germline. Affected: yes. Not counted in ClinVar's aggregate classification.
Comment: This variant is considered likely benign or benign based on one or more of the following criteria: it is a conservative change, it occurs at a poorly conserved position in the protein, it is predicted to be benign by multiple in silico algorithms, and/or has population frequency not consistent with disease.

Quest Diagnostics Nichols Institute San Juan Capistrano
Classification: Likely benign. Last evaluated: 2017-11-17. Review status: criteria provided, single submitter. Criteria: Quest Diagnostics criteria. Collection method: clinical testing. Allele origin: germline. Not counted in ClinVar's aggregate classification.

Ambry Genetics
Classification: Likely benign for Hereditary cancer-predisposing syndrome. Last evaluated: 2017-09-07. Review status: criteria provided, single submitter. Criteria: Ambry Variant Classification Scheme 2023. Collection method: clinical testing. Allele origin: germline. Not counted in ClinVar's aggregate classification.